The following is an entry in ClinVar:

NM_001042492.3(NF1):c.7657G>C (p.Ala2553Pro)

Gene: NF1 (neurofibromin 1; plus strand). Cytogenetic location: 17q11.2.
Variant type: single nucleotide variant.
Coding change: c.7657G>C on transcript NM_001042492.3 (MANE Select); coding-DNA position 7657, G replaced by C.
Protein change: p.Ala2553Pro; replaces alanine 2553 with proline.
Molecular consequence: missense variant.
Genome position (GRCh38, 1-based): chr17:31,356,501, G>C. VCF-style: chr17-31356501-G-C. GRCh37 (hg19) VCF-style: chr17-29683519-G-C.
Other names: c.7594G>C, p.Ala2532Pro (NM_000267.4); short protein forms A2532P, A2553P.
Identifiers: ClinVar variation 527534 (VCV000527534.7), dbSNP rs1555536644, ClinGen allele CA399018064.

ClinVar aggregate classification (germline): Uncertain significance. Review status: criteria provided, multiple submitters, no conflicts (2 of 4 stars). 2 submissions from 2 submitters: Uncertain significance (2). Last evaluated 2023-01-31.

Conditions:
Cardiovascular phenotype. Identifiers: MedGen CN230736.
Hereditary cancer-predisposing syndrome. Also called: Neoplastic Syndromes, Hereditary; Tumor predisposition; Hereditary neoplastic syndrome; Hereditary Cancer Syndrome. Identifiers: Orphanet 140162, MedGen C0027672, MeSH D009386, MONDO:0015356.
Neurofibromatosis, type 1 (NF1). Also called: VON RECKLINGHAUSEN DISEASE; NEUROFIBROMATOSIS, TYPE I, SOMATIC; Peripheral type neurofibromatosis; Neurofibromatosis, type I. Identifiers: Orphanet 636, MedGen C0027831, MONDO:0018975, OMIM 162200. Disease mechanism: loss of function.

Allele frequency attached by ClinVar (database versions not stated): gnomAD exomes below 0.00001.
gnomAD v4.1: 1 of 1,613,702 alleles (0.000062%); highest among the groups gnomAD compares: African/African-American, 0.0013%; no homozygotes.

Submissions (2):

Ambry Genetics
Classification: Uncertain significance for Cardiovascular phenotype; Hereditary cancer-predisposing syndrome. Last evaluated: 2023-01-31. Review status: criteria provided, single submitter. Criteria: Ambry Variant Classification Scheme 2023. Collection method: clinical testing. Allele origin: germline.
Comment: The p.A2532P variant (also known as c.7594G>C), located in coding exon 51 of the NF1 gene, results from a G to C substitution at nucleotide position 7594. The alanine at codon 2532 is replaced by proline, an amino acid with highly similar properties. This amino acid position is highly conserved in available vertebrate species. In addition, the in silico prediction for this alteration is inconclusive. Since supporting evidence is limited at this time, the clinical significance of this alteration remains unclear.

Labcorp Genetics (formerly Invitae), Labcorp
Classification: Uncertain significance for Neurofibromatosis, type 1. Last evaluated: 2017-11-01. Review status: criteria provided, single submitter. Criteria: Invitae Variant Classification Sherloc (09022015). Collection method: clinical testing. Allele origin: germline.
Comment: This sequence change replaces alanine with proline at codon 2532 of the NF1 protein (p.Ala2532Pro). The alanine residue is moderately conserved and there is a small physicochemical difference between alanine and proline. This variant is not present in population databases (ExAC no frequency). This variant has not been reported in the literature in individuals with NF1-related disease. Algorithms developed to predict the effect of missense changes on protein structure and function do not agree on the potential impact of this missense change (SIFT: "Deleterious"; PolyPhen-2: "Probably Damaging"; Align-GVGD: "Class C0"). In summary, the available evidence is currently insufficient to determine the role of this variant in disease. Therefore, it has been classified as a Variant of Uncertain Significance.